The following is an entry in ClinVar:

NM_173791.5(PDZD8):c.259C>G (p.Pro87Ala)

Genes: PDZD8 (PDZ domain containing 8; minus strand), LOC130004812 (ATAC-STARR-seq lymphoblastoid silent region 2859; plus strand). Cytogenetic location: 10q26.11.
Variant type: single nucleotide variant.
Coding change: c.259C>G on transcript NM_173791.5 (MANE Select); coding-DNA position 259, C replaced by G.
Protein change: p.Pro87Ala; replaces proline 87 with alanine.
Molecular consequence: missense variant.
Genome position (GRCh38, 1-based): chr10:117,374,969, G>C on the plus strand (C>G on the coding strand, the complement: PDZD8 is on the minus strand). VCF-style: chr10-117374969-G-C. GRCh37 (hg19) VCF-style: chr10-119134480-G-C.
Other names: short protein forms P87A.
Identifiers: ClinVar variation 2640874 (VCV002640874.24), dbSNP rs773816941, ClinGen allele CA5711268.

ClinVar aggregate classification (germline): Uncertain significance (1 of 4 stars; one submission).

Allele frequency attached by ClinVar (database versions not stated): ExAC 0.00003.
gnomAD v4.1: 14 of 1,605,198 alleles (0.00087%); highest among the groups gnomAD compares: South Asian, 0.0055%; no homozygotes.

Submission:

CeGaT Center for Human Genetics Tuebingen
Classification: Uncertain significance. Last evaluated: 2023-08-01. Review status: criteria provided, single submitter. Criteria: CeGaT Center For Human Genetics Tuebingen Variant Classification Criteria Version 2. Collection method: clinical testing. Allele origin: germline. Affected: yes. Observed: 1 variant allele.
Comment: PDZD8: PM2